The following is an entry in ClinVar:

ClinVar aggregate classification (germline): Pathogenic (1 of 4 stars; one submission).

Submission:

Labcorp Genetics (formerly Invitae), Labcorp
Classification: Pathogenic. Last evaluated: 2021-02-25. Review status: criteria provided, single submitter. Criteria: Invitae Variant Classification Sherloc (09022015). Collection method: clinical testing. Allele origin: germline.
Comment: This variant has not been reported in the literature in individuals with GZF1-related conditions. This variant is not present in population databases (ExAC no frequency). This sequence change creates a premature translational stop signal (p.Asp170Glufs*36) in the GZF1 gene. It is expected to result in an absent or disrupted protein product. Loss-of-function variants in GZF1 are known to be pathogenic (PMID: 28475863). For these reasons, this variant has been classified as Pathogenic.

Literature cited by the submitters: PubMed 28475863.

NM_022482.5(GZF1):c.510del (p.Asp170fs)

Gene: GZF1 (GDNF inducible zinc finger protein 1; plus strand). Cytogenetic location: 20p11.21.
Variant type: Deletion.
Coding change: c.510del on transcript NM_022482.5 (MANE Select); coding-DNA position 510, one base deleted (T; older notation c.510delT).
Protein change: p.Asp170fs; shifts the reading frame from aspartic acid 170.
Molecular consequence: frameshift variant.
Genome position (GRCh38, 1-based): chr20:23,364,893, T deleted. VCF-style (leftmost placement, unchanged base first): chr20-23364892-AT-A. GRCh37 (hg19) VCF-style: chr20-23345529-AT-A.
Other names: c.510del, p.Asp170fs (NM_001317012.2, NM_001317019.1); short protein forms D170fs.
Identifiers: ClinVar variation 1421934 (VCV001421934.6), dbSNP rs2123036034, ClinGen allele CA2573156946.